The following is an entry in ClinVar:

ClinVar aggregate classification (germline): Uncertain significance (1 of 4 stars; one submission).

Allele frequency attached by ClinVar (database versions not stated): gnomAD exomes below 0.00001; gnomAD 0.00002; TOPMed 0.00002.

Submission:

Labcorp Genetics (formerly Invitae), Labcorp
Classification: Uncertain significance. Last evaluated: 2022-10-19. Review status: criteria provided, single submitter. Criteria: Invitae Variant Classification Sherloc (09022015). Collection method: clinical testing. Allele origin: germline.
Comment: This variant is not present in population databases (gnomAD no frequency). In summary, the available evidence is currently insufficient to determine the role of this variant in disease. Therefore, it has been classified as a Variant of Uncertain Significance. Algorithms developed to predict the effect of missense changes on protein structure and function (SIFT, PolyPhen-2, Align-GVGD) all suggest that this variant is likely to be disruptive. This variant has not been reported in the literature in individuals affected with RAX2-related conditions. This sequence change replaces proline, which is neutral and non-polar, with alanine, which is neutral and non-polar, at codon 120 of the RAX2 protein (p.Pro120Ala).

NM_001319074.4(RAX2):c.358C>G (p.Pro120Ala)

Gene: RAX2 (retina and anterior neural fold homeobox 2; minus strand). Cytogenetic location: 19p13.3.
Variant type: single nucleotide variant.
Coding change: c.358C>G on transcript NM_001319074.4 (MANE Select); coding-DNA position 358, C replaced by G.
Protein change: p.Pro120Ala; replaces proline 120 with alanine.
Molecular consequence: missense variant.
Genome position (GRCh38, 1-based): chr19:3,770,818, G>C on the plus strand (C>G on the coding strand, the complement: RAX2 is on the minus strand). VCF-style: chr19-3770818-G-C. GRCh37 (hg19) VCF-style: chr19-3770816-G-C.
Other names: c.358C>G, p.Pro120Ala (NM_032753.4); short protein forms P120A.
Identifiers: ClinVar variation 2097862 (VCV002097862.4), dbSNP rs1045743925, ClinGen allele CA304416728.